The following is an entry in ClinVar:

ClinVar aggregate classification (germline): Uncertain significance (1 of 4 stars; one submission).

Allele frequency attached by ClinVar (database versions not stated): gnomAD 0.00001 and 0.00003; gnomAD exomes 0.00001; TOPMed 0.00001 and 0.00002; ExAC 0.00003; ESP Exome Variant Server 0.00008.
gnomAD v4.1: 11 of 1,611,646 alleles (0.00068%); highest among the groups gnomAD compares: Admixed American, 0.0017%; no homozygotes.

Submission:

GeneDx
Classification: Uncertain significance. Last evaluated: 2017-11-13. Review status: criteria provided, single submitter. Criteria: GeneDx Variant Classification (06012015). Collection method: clinical testing. Allele origin: germline. Affected: yes.
Comment: p.Arg49Gly: c.145 A>G in exon 2 in the NUBPL gene (NM_025152.2). The R49G variant is a non-conservative amino acid substitution of a positively charged Arginine with a non-polar Glycine at a residue that is is conserved across species. In silico analysis predicts R49G is likely benign. The NHLBI Exome Variant Server did not detect the R49G variant with any significant frequency in approximately 6,000 individuals of European and African American ancestry. Therefore, R49G is interpreted as a variant of unknown significance. The variant is found in NUBPL panel(s).

NM_025152.3(NUBPL):c.145A>G (p.Arg49Gly)

Gene: NUBPL (NUBP iron-sulfur cluster assembly factor, mitochondrial; plus strand). Cytogenetic location: 14q12.
Variant type: single nucleotide variant.
Coding change: c.145A>G on transcript NM_025152.3 (MANE Select); coding-DNA position 145, A replaced by G.
Protein change: p.Arg49Gly; replaces arginine 49 with glycine.
Molecular consequence: missense variant. On other transcripts: non-coding transcript variant (1).
Genome position (GRCh38, 1-based): chr14:31,562,104, A>G. VCF-style: chr14-31562104-A-G. GRCh37 (hg19) VCF-style: chr14-32031310-A-G.
Other names: short protein forms R49G.
Identifiers: ClinVar variation 214881 (VCV000214881.2), dbSNP rs370063423, ClinGen allele CA324414.
Genomic context (GRCh38, chr14:31,562,104, plus strand): 5'-TTTTATTATTATTATTTTTTAAAGTTGTCTGGCGCCGGGAGTGAGACCCTAAAACAAAGA[A>G]GAACACAAATCATGTCCCGAGGACTTCCAAAGCAGAAACCGATAGAAGGTGTTAAACAAG-3'
Protein context (NP_079428.2, residues 39-59): GAGSETLKQR[Arg49Gly]TQIMSRGLPK